The following is an entry in ClinVar:

NM_020779.4(WDR35):c.1310C>T (p.Ala437Val)

Gene: WDR35 (WD repeat domain 35; minus strand). Cytogenetic location: 2p24.1.
Variant type: single nucleotide variant.
Coding change: c.1310C>T on transcript NM_020779.4 (MANE Select); coding-DNA position 1310, C replaced by T.
Protein change: p.Ala437Val; replaces alanine 437 with valine.
Molecular consequence: missense variant.
Genome position (GRCh38, 1-based): chr2:19,953,924, G>A on the plus strand (C>T on the coding strand, the complement: WDR35 is on the minus strand). VCF-style: chr2-19953924-G-A. GRCh37 (hg19) VCF-style: chr2-20153685-G-A.
Other names: c.1343C>T, p.Ala448Val (NM_001006657.2); short protein forms A437V, A448V.
Identifiers: ClinVar variation 1352847 (VCV001352847.9), dbSNP rs1671332812, ClinGen allele CA345945649.

ClinVar aggregate classification (germline): Uncertain significance. Review status: criteria provided, multiple submitters, no conflicts (2 of 4 stars). 2 submissions from 2 submitters: Uncertain significance (2). Last evaluated 2024-03-08.

Conditions:
Cranioectodermal dysplasia 2 (CED2). Identifiers: Orphanet 1515, MedGen C3150874, MONDO:0013323, OMIM 613610.
Short-rib thoracic dysplasia 7 with or without polydactyly (SRTD7). Also called: Short rib polydactyly syndrome 5; SHORT-RIB THORACIC DYSPLASIA 7 WITH POLYDACTYLY. Identifiers: Orphanet 498497, Orphanet 93271, MedGen C3279792, MONDO:0013569, OMIM 614091.

Allele frequency attached by ClinVar (database versions not stated): TOPMed below 0.00001; gnomAD 0.00001.
gnomAD v4.1: 1 of 1,614,016 alleles (0.000062%); highest among the groups gnomAD compares: Non-Finnish European, 0.000085%; no homozygotes.

Submissions (2):

Fulgent Genetics
Classification: Uncertain significance for Cranioectodermal dysplasia 2; Short-rib thoracic dysplasia 7 with or without polydactyly. Last evaluated: 2024-03-08. Review status: criteria provided, single submitter. Criteria: ACMG Guidelines, 2015. Collection method: clinical testing. Allele origin: germline.

Labcorp Genetics (formerly Invitae), Labcorp
Classification: Uncertain significance for Cranioectodermal dysplasia 2; Short-rib thoracic dysplasia 7 with or without polydactyly. Last evaluated: 2021-06-21. Review status: criteria provided, single submitter. Criteria: Invitae Variant Classification Sherloc (09022015). Collection method: clinical testing. Allele origin: germline.
Comment: This sequence change replaces alanine with valine at codon 448 of the WDR35 protein (p.Ala448Val). The alanine residue is highly conserved and there is a small physicochemical difference between alanine and valine. Algorithms developed to predict the effect of sequence changes on RNA splicing suggest that this variant may create or strengthen a splice site, but this prediction has not been confirmed by published transcriptional studies. In summary, the available evidence is currently insufficient to determine the role of this variant in disease. Therefore, it has been classified as a Variant of Uncertain Significance. Algorithms developed to predict the effect of missense changes on protein structure and function are either unavailable or do not agree on the potential impact of this missense change (SIFT: "Tolerated"; PolyPhen-2: "Probably Damaging"; Align-GVGD: "Class C0"). This variant is not present in population databases (ExAC no frequency). This variant has not been reported in the literature in individuals with WDR35-related conditions.